The following is an entry in ClinVar:

ClinVar aggregate classification (germline): Uncertain significance (1 of 4 stars; one submission).

gnomAD v4.1: 17 of 1,550,080 alleles (0.0011%); highest among the groups gnomAD compares: South Asian, 0.013%; no homozygotes.

Submission:

GeneDx
Classification: Uncertain significance. Last evaluated: 2023-07-10. Review status: criteria provided, single submitter. Criteria: GeneDx Variant Classification Process June 2021. Collection method: clinical testing. Allele origin: germline. Affected: yes.
Comment: In silico analysis supports that this missense variant does not alter protein structure/function; Has not been previously published as pathogenic or benign to our knowledge

NM_001145026.2(PTPRQ):c.1500T>A (p.Phe500Leu)

Gene: PTPRQ (protein tyrosine phosphatase receptor type Q; plus strand). Cytogenetic location: 12q21.31.
Variant type: single nucleotide variant.
Coding change: c.1500T>A on transcript NM_001145026.2 (MANE Select); coding-DNA position 1500, T replaced by A.
Protein change: p.Phe500Leu; replaces phenylalanine 500 with leucine.
Molecular consequence: missense variant.
Genome position (GRCh38, 1-based): chr12:80,493,415, T>A. VCF-style: chr12-80493415-T-A. GRCh37 (hg19) VCF-style: chr12-80887194-T-A.
Other names: short protein forms F500L.
Identifiers: ClinVar variation 3360827 (VCV003360827.1).